The following is an entry in ClinVar:

ClinVar aggregate classification (germline): Likely benign. Review status: reviewed by expert panel (3 of 4 stars). 2 submissions from 2 submitters: Likely benign (1). 1 of the submissions does not count toward it. Last evaluated 2024-09-11.

Conditions:
Hereditary thrombocytopenia and hematological cancer predisposition syndrome associated with RUNX1. Also called: Familial Platelet Disorder with Propensity to Acute Myelogenous Leukemia; Familial thrombocytopenia with propensity to acute myelogenous leukemia; PLATELET DISORDER, ASPIRIN-LIKE; RUNX1 Familial Platelet Disorder with Associated Myeloid Malignancies. Identifiers: Orphanet 71290, MedGen C1832388, MeSH C563324, MONDO:0100083, OMIM 601399.
Hereditary thrombocytopenia and hematologic cancer predisposition syndrome. Identifiers: Orphanet 71290, MedGen CN281654, MONDO:0011071.

Submissions (2):

ClinGen Myeloid Malignancy Variant Curation Expert Panel
Classification: Likely benign for Hereditary thrombocytopenia and hematologic cancer predisposition syndrome. Last evaluated: 2024-09-11. Review status: reviewed by expert panel. Criteria: ClinGen MyeloMalig ACMG Specifications v2. Collection method: curation. Allele origin: germline. Inheritance: Autosomal dominant inheritance.
Comment: NM_001754.5(RUNX1):c.1359G>A (p.Val453=) is a synonymous variant which has a SpliceAI score ≤ 0.20 (0.0) (BP4). This variant has a SpliceAI score ≤ 0.20 (0.0) and evolutionary conservation algorithms predict the site as not being conserved (PhyloP score ≤ 2.0 (0.12)) (BP7). This variant is completely absent from all population databases with at least 20x coverage for RUNX1 (PM2_Supporting). In summary, this variant meets criteria to be classified as likely benign. ACMG/AMP criteria applied, as specified by the Myeloid Malignancy Variant Curation Expert Panel for RUNX1: BP4, BP7, PM2_supporting.

Labcorp Genetics (formerly Invitae), Labcorp
Classification: Likely benign for Hereditary thrombocytopenia and hematological cancer predisposition syndrome associated with RUNX1. Last evaluated: 2023-04-24. Review status: criteria provided, single submitter. Criteria: Invitae Variant Classification Sherloc (09022015). Collection method: clinical testing. Allele origin: germline. Not counted in ClinVar's aggregate classification.

NM_001754.5(RUNX1):c.1359G>A (p.Val453=)

Gene: RUNX1 (RUNX family transcription factor 1; minus strand). Cytogenetic location: 21q22.12.
Variant type: single nucleotide variant.
Coding change: c.1359G>A on transcript NM_001754.5 (MANE Select); coding-DNA position 1359, G replaced by A.
Protein change: p.Val453=; no amino-acid change (valine 453 retained).
Molecular consequence: synonymous variant.
Genome position (GRCh38, 1-based): chr21:34,792,219, C>T on the plus strand (G>A on the coding strand, the complement: RUNX1 is on the minus strand). VCF-style: chr21-34792219-C-T. GRCh37 (hg19) VCF-style: chr21-36164516-C-T.
Other names: NM_001754.5(RUNX1):c.1359G>A; p.Val453=; c.1278G>A, p.Val426= (NM_001001890.3).
Identifiers: ClinVar variation 1624497 (VCV001624497.9), dbSNP rs2145872839, ClinGen allele CA512340983.